The following is an entry in ClinVar:

NM_020451.2(SELENON):c.-58_-47dupCGGCCCCGCCCC

Gene: SELENON (selenoprotein N; plus strand). Cytogenetic location: 1p36.11.
Variant type: Duplication.
Coding change: c.-58_-47dupCGGCCCCGCCCC on transcript NM_020451.2; 58 bases upstream of the start codon through 47 bases upstream of the start codon, 12 bases duplicated (CGGCCCCGCCCC).
Genome position (GRCh38, 1-based): chr1:25,800,173-25,800,184, CGGCCCCGCCCC duplicated; duplicating any 12 consecutive bases within chr1:25,800,163-25,800,184 gives the same sequence; the c. name uses the placement nearest the transcript's 3' end. VCF-style (leftmost placement, unchanged base first): chr1-25800162-C-CGCCCCGCCCCCG. GRCh37 (hg19) VCF-style: chr1-26126653-C-CGCCCCGCCCCCG.
Identifiers: ClinVar variation 511754 (VCV000511754.3), dbSNP rs1553198442, ClinGen allele CA658795420.
Genomic context (GRCh38, chr1:25,800,162, plus strand): 5'-CCGGGAACCAGCGACCCCCCGCCCAGCCCCTGCGGCCGCCCCGCCCCTCCCCGCCCCGGC[C>CGCCCCGCCCCCG]GCCCCGCCCCCGGCCCCGCCCCGCTCTTTCGCTTCCCGGGCCGCCGGCAGCCGCCGCCAG-3'

ClinVar aggregate classification (germline): Likely benign (1 of 4 stars; one submission).

Submission:

GeneDx
Classification: Likely benign. Last evaluated: 2017-08-28. Review status: criteria provided, single submitter. Criteria: GeneDx Variant Classification (06012015). Collection method: clinical testing. Allele origin: germline. Affected: yes.
Comment: This variant is considered likely benign or benign based on one or more of the following criteria: it is a conservative change, it occurs at a poorly conserved position in the protein, it is predicted to be benign by multiple in silico algorithms, and/or has population frequency not consistent with disease.